The following is an entry in ClinVar:

ClinVar aggregate classification (germline): Pathogenic. Review status: criteria provided, multiple submitters, no conflicts (2 of 4 stars). 11 submissions from 11 submitters: Pathogenic (9). 2 of the submissions do not count toward it. Last evaluated 2026-01-27.

Conditions:
Retinitis pigmentosa 73 (RP73). Identifiers: Orphanet 791, MedGen C4225287, MONDO:0014687, OMIM 616544.
Mucopolysaccharidosis, MPS-III-C (MPS3C). Also called: mucopolysaccharidosis type 3C; MPS IIIC (Sanfilippo Syndrome Type C); SANFILIPPO SYNDROME C; MUCOPOLYSACCHARIDOSIS, TYPE IIIC; MPS III C; Mucopolysaccharidosis type IIIC (Sanfilippo C). Identifiers: Orphanet 581, Orphanet 79271, MedGen C0086649, MONDO:0009657, OMIM 252930.
Sanfilippo syndrome. Also called: Mucopolysaccharidosis type 3; Sanfilippo disease; Mucopolysaccharidosis Type III. Identifiers: Orphanet 581, MedGen C0026706, MONDO:0018937.
HGSNAT-related disorders.
Retinal dystrophy. Also called: Inherited retinal dystrophy. Identifiers: Orphanet 71862, MedGen C0854723, MeSH D058499, MONDO:0019118, HP:0000556.

Allele frequency attached by ClinVar (database versions not stated): TOPMed below 0.00001; ExAC 0.00001; gnomAD 0.00001; gnomAD exomes 0.00001.
gnomAD v4.1: 17 of 1,611,404 alleles (0.0011%); highest among the groups gnomAD compares: Non-Finnish European, 0.0013%; no homozygotes.

Submissions (11):

Labcorp Genetics (formerly Invitae), Labcorp
Classification: Pathogenic for Retinitis pigmentosa 73; Mucopolysaccharidosis, MPS-III-C. Last evaluated: 2026-01-27. Review status: criteria provided, single submitter. Criteria: Invitae Variant Classification Sherloc (09022015). Collection method: clinical testing. Allele origin: germline.
Comment: This sequence change creates a premature translational stop signal (p.Arg506*) in the HGSNAT gene. It is expected to result in an absent or disrupted protein product. Loss-of-function variants in HGSNAT are known to be pathogenic (PMID: 17033958, 19479962, 25859010). This variant is present in population databases (rs747240928, gnomAD 0.003%). This premature translational stop signal has been observed in individuals with mucopolysaccharidosis type III C (PMID: 17033958). ClinVar contains an entry for this variant (Variation ID: 552134). Algorithms developed to predict the effect of sequence changes on RNA splicing suggest that this variant may disrupt the consensus splice site. For these reasons, this variant has been classified as Pathogenic.

Blueprint Genetics
Classification: Pathogenic for HGSNAT-related disorders. Last evaluated: 2024-11-17. Review status: criteria provided, single submitter. Criteria: ACMG Guidelines, 2015. Collection method: clinical testing. Allele origin: germline. Affected: yes. Observed: 5 variant alleles.

Institute of Human Genetics, University of Leipzig Medical Center
Classification: Pathogenic for Retinitis pigmentosa 73. Last evaluated: 2024-09-24. Review status: criteria provided, single submitter. Criteria: ACMG Guidelines, 2015. Collection method: clinical testing. Allele origin: unknown. Inheritance: Autosomal recessive inheritance. Affected: yes.
Comment: Criteria applied: PVS1,PM3,PM2_SUP

Natera, Inc.
Classification: Pathogenic for Mucopolysaccharidosis type IIIC. Last evaluated: 2024-08-05. Review status: criteria provided, single submitter. Criteria: Natera Variant Classification Schema (03/2026). Collection method: clinical testing. Allele origin: germline.
Comment: The c.1516C>T variant in HGSNAT is a nonsense variant predicted to introduce a stop codon at amino acid 506. This variant is expected to result in nonsense mediated decay, truncation, or a dysfunctional protein product. This variant is rare in the general population with a frequency below the threshold expected for the associated phenotype(s). This variant has been observed in one or more individuals affected with the associated recessive disease, as either homozygous or compound heterozygous with a second variant (PMID: 19479962). Given the available evidence, this variant is classified as Pathogenic.

Fulgent Genetics
Classification: Pathogenic for Mucopolysaccharidosis, MPS-III-C; Retinitis pigmentosa 73. Last evaluated: 2024-03-05. Review status: criteria provided, single submitter. Criteria: ACMG Guidelines, 2015. Collection method: clinical testing. Allele origin: germline.

Women's Health and Genetics/Laboratory Corporation of America, LabCorp
Classification: Pathogenic for Sanfilippo syndrome. Last evaluated: 2022-03-31. Review status: criteria provided, single submitter. Criteria: LabCorp Variant Classification Summary - May 2015. Collection method: clinical testing. Allele origin: germline.
Comment: Variant summary: HGSNAT c.1516C>T (p.Arg506X) results in a premature termination codon, predicted to cause a truncation of the encoded protein or absence of the protein due to nonsense mediated decay, which are commonly known mechanisms for disease. The variant allele was found at a frequency of 1.2e-05 in 248672 control chromosomes (gnomAD). c.1516C>T has been reported in the literature in individuals affected with Mucopolysaccharidosis Type IIIC (Sanfilippo Syndrome C; Feldhammer_2009, Hrebicek_2006, Pervaiz_2011, Martins_2019). These data indicate that the variant may be associated with disease. To our knowledge, no experimental evidence demonstrating an impact on protein function has been reported. Three ClinVar submitters have assessed the variant since 2014: all three classified the variant as pathogenic. Based on the evidence outlined above, the variant was classified as pathogenic.

GeneDx
Classification: Pathogenic. Last evaluated: 2020-06-15. Review status: criteria provided, single submitter. Criteria: GeneDx Variant Classification Process June 2021. Collection method: clinical testing. Allele origin: germline. Affected: yes.
Comment: Nonsense variant predicted to result in protein truncation or nonsense mediated decay in a gene for which loss-of-function is a known mechanism of disease; Not observed in large population cohorts (Lek et al., 2016); This variant is associated with the following publications: (PMID: 21384162, 19479962, 17033958, 25525159)

Institute of Human Genetics, Univ. Regensburg, Univ. Regensburg
Classification: Pathogenic for Retinal dystrophy. Last evaluated: 2020-01-01. Review status: criteria provided, single submitter. Criteria: ACMG Guidelines, 2015. Collection method: clinical testing. Allele origin: germline. Affected: yes.

Juno Genomics, Hangzhou Juno Genomics, Inc
Classification: Pathogenic for Mucopolysaccharidosis, MPS-III-C. Review status: criteria provided, single submitter. Criteria: ACMG Guidelines, 2015. Collection method: clinical testing. Allele origin: germline.
Comment: Absent from controls (or at extremely low frequency if recessive) in Genome Aggregation Database.;Null variant in a gene where loss of function (LOF) is a known mechanism of disease.;For recessive disorders, detected in trans with a pathogenic variant.;Patient's phenotype or family history is highly specific for a disease with a single genetic etiology.

Department of Pediatrics, Taizhou Central Hospital, Taizhou University Hospital
Classification: Pathogenic for Mucopolysaccharidosis, MPS-III-C. Last evaluated: 2024-02-01. Review status: no assertion criteria provided. Collection method: clinical testing. Allele origin: biparental. Affected: yes. Observed: 1 variant allele. Not counted in ClinVar's aggregate classification.

Counsyl
Classification: Pathogenic for Mucopolysaccharidosis, MPS-III-C. Last evaluated: 2017-05-23. Review status: no assertion criteria provided. Collection method: clinical testing. Allele origin: unknown. Not counted in ClinVar's aggregate classification.

Literature cited by the submitters: PubMed 17033958 (cited by 4 submitters); PubMed 19479962 (cited by 4 submitters); PubMed 25859010 (cited by Labcorp Genetics (formerly Invitae), Labcorp); PubMed 21384162 (cited by Women's Health and Genetics/Laboratory Corporation of America, LabCorp); PubMed 31228227 (cited by Women's Health and Genetics/Laboratory Corporation of America, LabCorp); PubMed 25525159 (cited by Institute of Human Genetics, Univ. Regensburg, Univ. Regensburg and Counsyl); PubMed 31964843 (cited by Institute of Human Genetics, Univ. Regensburg, Univ. Regensburg).

NM_152419.3(HGSNAT):c.1516C>T (p.Arg506Ter)

Gene: HGSNAT (heparan-alpha-glucosaminide N-acetyltransferase; plus strand). Cytogenetic location: 8p11.21.
Variant type: single nucleotide variant.
Coding change: c.1516C>T on transcript NM_152419.3 (MANE Select); coding-DNA position 1516, C replaced by T.
Protein change: p.Arg506Ter; replaces arginine 506 with a stop codon.
Molecular consequence: nonsense.
Genome position (GRCh38, 1-based): chr8:43,196,999, C>T. VCF-style: chr8-43196999-C-T. GRCh37 (hg19) VCF-style: chr8-43052142-C-T.
Other names: c.1603C>T, p.Arg535Ter (NM_001363227.2); c.1324C>T, p.Arg442Ter (NM_001363228.2); c.652C>T, p.Arg218Ter (NM_001363229.2); short protein forms R506*, R218*, R535*, R442*.
Identifiers: ClinVar variation 552134 (VCV000552134.23), dbSNP rs747240928, ClinGen allele CA4736923.